The following is an entry in ClinVar:

NM_006031.6(PCNT):c.1285C>A (p.Arg429=)

Gene: PCNT (pericentrin; plus strand). Cytogenetic location: 21q22.3.
Variant type: single nucleotide variant.
Coding change: c.1285C>A on transcript NM_006031.6 (MANE Select); coding-DNA position 1285, C replaced by A.
Protein change: p.Arg429=; no amino-acid change (arginine 429 retained).
Molecular consequence: synonymous variant.
Genome position (GRCh38, 1-based): chr21:46,349,761, C>A. VCF-style: chr21-46349761-C-A. GRCh37 (hg19) VCF-style: chr21-47769675-C-A.
Other names: c.931C>A, p.Arg311= (NM_001315529.2).
Identifiers: ClinVar variation 4997689 (VCV004997689.1).

ClinVar aggregate classification (germline): Likely benign (1 of 4 stars; one submission).

Conditions:
PCNT-related disorder. Also called: PCNT-related condition.

gnomAD v4.1: 5 of 1,613,872 alleles (0.00031%); highest among the groups gnomAD compares: Non-Finnish European, 0.00042%; no homozygotes.

Submission:

PreventionGenetics, part of Exact Sciences
Classification: Likely benign for PCNT-related condition. Last evaluated: 2025-10-28. Review status: criteria provided, single submitter. Criteria: ACMG Guidelines, 2015. Collection method: clinical testing. Allele origin: germline.
Comment: This variant is classified as likely benign based on ACMG/AMP sequence variant interpretation guidelines (Richards et al. 2015 PMID: 25741868, with internal and published modifications).